The following is an entry in ClinVar:

NM_000059.4(BRCA2):c.2452A>C (p.Asn818His)

Gene: BRCA2 (BRCA2 DNA repair associated; plus strand). Cytogenetic location: 13q13.1.
Variant type: single nucleotide variant.
Coding change: c.2452A>C on transcript NM_000059.4 (MANE Select); coding-DNA position 2452, A replaced by C.
Protein change: p.Asn818His; replaces asparagine 818 with histidine.
Molecular consequence: missense variant.
Genome position (GRCh38, 1-based): chr13:32,336,807, A>C. VCF-style: chr13-32336807-A-C. GRCh37 (hg19) VCF-style: chr13-32910944-A-C.
Other names: short protein forms N818H.
Identifiers: ClinVar variation 483002 (VCV000483002.21), dbSNP rs750667529, ClinGen allele CA6940606.
Genomic context (GRCh38, chr13:32,336,807, plus strand): 5'-CTCAAAGGTAACAATTATGAATCTGATGTTGAATTAACCAAAAATATTCCCATGGAAAAG[A>C]ATCAAGATGTATGTGCTTTAAATGAAAATTATAAAAACGTTGAGCTGTTGCCACCTGAAA-3'
Protein context (NP_000050.3, residues 808-828): ELTKNIPMEK[Asn818His]QDVCALNENY

ClinVar aggregate classification (germline): Conflicting classifications of pathogenicity. Review status: criteria provided, conflicting classifications (1 of 4 stars). 7 submissions from 7 submitters: Uncertain significance (6); Likely benign (1). Last evaluated 2025-10-07.

Conditions:
Hereditary cancer-predisposing syndrome. Also called: Neoplastic Syndromes, Hereditary; Tumor predisposition; Hereditary Cancer Syndrome; Hereditary neoplastic syndrome. Identifiers: Orphanet 140162, MedGen C0027672, MeSH D009386, MONDO:0015356.
Hereditary breast ovarian cancer syndrome. Also called: Hereditary breast and ovarian cancer syndrome; Hereditary breast and ovarian cancer; Hereditary breast and ovarian cancer syndrome (HBOC); Breast and ovarian cancer; Hereditary breast and/or ovarian cancer syndrome; BRCA1- and BRCA2-Associated Hereditary Breast and Ovarian Cancer. Identifiers: Orphanet 145, MedGen C0677776, MeSH D061325, MONDO:0003582. Disease mechanism: loss of function.

Allele frequency attached by ClinVar (database versions not stated): gnomAD exomes below 0.00001; TOPMed below 0.00001; ExAC 0.00001; gnomAD 0.00001.
gnomAD v4.1: 1 of 1,606,876 alleles (0.000062%); highest among the groups gnomAD compares: African/African-American, 0.0013%; no homozygotes.

Submissions (7):

Ambry Genetics
Classification: Uncertain significance for Hereditary cancer-predisposing syndrome. Last evaluated: 2025-10-07. Review status: criteria provided, single submitter. Criteria: Ambry Variant Classification Scheme 2023. Collection method: clinical testing. Allele origin: germline.
Comment: The p.N818H variant (also known as c.2452A>C), located in coding exon 10 of the BRCA2 gene, results from an A to C substitution at nucleotide position 2452. The asparagine at codon 818 is replaced by histidine, an amino acid with similar properties. This amino acid position is not well conserved in available vertebrate species. In addition, this alteration is predicted to be tolerated by in silico analysis. Based on the available evidence, the clinical significance of this variant remains unclear.

Color Diagnostics, LLC DBA Color Health
Classification: Uncertain significance for Hereditary cancer-predisposing syndrome. Last evaluated: 2025-09-22. Review status: criteria provided, single submitter. Criteria: ACMG Guidelines, 2015. Collection method: clinical testing. Allele origin: germline.
Comment: This missense variant replaces asparagine with histidine at codon 818 of the BRCA2 protein. Computational prediction suggests that this variant may not impact protein structure and function. To our knowledge, functional studies have not been reported for this variant. This variant has been detected in a breast cancer case-control meta-analysis in 0/60466 cases and 1/53461 unaffected individuals (PMID: 33471991Leiden Open Variation Database DB-ID BRCA2_007949). Multifactorial analysis on clinical data has reached a combined likelihood ratio (LR) of 0.406 from published LR for 1 carrier (PMID: 31853058). This variant has been identified in 1/243758 chromosomes in the general population by the Genome Aggregation Database (gnomAD). The available evidence is insufficient to determine the role of this variant in disease conclusively. Therefore, this variant is classified as a Variant of Uncertain Significance.

Labcorp Genetics (formerly Invitae), Labcorp
Classification: Uncertain significance for Hereditary breast ovarian cancer syndrome. Last evaluated: 2025-04-30. Review status: criteria provided, single submitter. Criteria: Invitae Variant Classification Sherloc (09022015). Collection method: clinical testing. Allele origin: germline.
Comment: This sequence change replaces asparagine, which is neutral and polar, with histidine, which is basic and polar, at codon 818 of the BRCA2 protein (p.Asn818His). This variant is present in population databases (rs750667529, gnomAD 0.007%). This variant has not been reported in the literature in individuals affected with BRCA2-related conditions. ClinVar contains an entry for this variant (Variation ID: 483002). Invitae Evidence Modeling of protein sequence and biophysical properties (such as structural, functional, and spatial information, amino acid conservation, physicochemical variation, residue mobility, and thermodynamic stability) indicates that this missense variant is not expected to disrupt BRCA2 protein function with a negative predictive value of 95%. In summary, the available evidence is currently insufficient to determine the role of this variant in disease. Therefore, it has been classified as a Variant of Uncertain Significance.

Women's Health and Genetics/Laboratory Corporation of America, LabCorp
Classification: Uncertain significance. Last evaluated: 2025-03-06. Review status: criteria provided, single submitter. Criteria: LabCorp Variant Classification Summary - May 2015. Collection method: clinical testing. Allele origin: germline.

University of Washington Department of Laboratory Medicine, University of Washington
Classification: Likely benign for Hereditary cancer-predisposing syndrome. Last evaluated: 2023-03-23. Review status: criteria provided, single submitter. Criteria: Dines et al. (Genet Med. 2020). Collection method: curation. Allele origin: germline.
Comment: Missense variant in a coldspot region where missense variants are very unlikely to be pathogenic (PMID:31911673).

BRCA2 exon 11 coldspot. Reclassification based on statistical prior probability.

Mendelics
Classification: Uncertain significance. Last evaluated: 2022-05-04. Review status: criteria provided, single submitter. Criteria: Mendelics Assertion Criteria 2019. Collection method: clinical testing. Allele origin: germline.

Genetic Services Laboratory, University of Chicago
Classification: Uncertain significance. Last evaluated: 2021-07-26. Review status: criteria provided, single submitter. Criteria: ACMG Guidelines, 2015. Collection method: clinical testing. Allele origin: germline. Affected: no.
Comment: DNA sequence analysis of the BRCA2 gene demonstrated a sequence change, c.2452A>C, in exon 11 that results in an amino acid change, p.Asn818His. This sequence change has been described in one individual in the gnomAD database (dbSNP rs750667529). The p.Asn818His change affects a moderately conserved amino acid residue located in a domain of the BRCA2 protein that is known to be functional. In-silico pathogenicity prediction tools (SIFT, PolyPhen2, Align GVGD, REVEL) provide contradictory results for the p.Asn818His substitution. This sequence change does not appear to have been previously described in individuals with BRCA2-related disorders, however a different sequence changed impacting the same amino acid residue, c.2454T>A (p.Asn818Lys) has been reported in an individual with family history of breast and/or ovarian cancer (PMID: 31341521) Due to insufficient evidences and the lack of functional studies, the clinical significance of the p.Asn818His change remains unknown at this time.

Literature cited by the submitters: PubMed 31853058 (cited by Color Diagnostics, LLC DBA Color Health); PubMed 33471991 (cited by Color Diagnostics, LLC DBA Color Health).